The following is an entry in ClinVar:

NM_001429.4(EP300):c.1229A>G (p.Asp410Gly)

Gene: EP300 (EP300 lysine acetyltransferase; plus strand). Cytogenetic location: 22q13.2.
Variant type: single nucleotide variant.
Coding change: c.1229A>G on transcript NM_001429.4 (MANE Select); coding-DNA position 1229, A replaced by G.
Protein change: p.Asp410Gly; replaces aspartic acid 410 with glycine.
Molecular consequence: missense variant.
Genome position (GRCh38, 1-based): chr22:41,129,950, A>G. VCF-style: chr22-41129950-A-G. GRCh37 (hg19) VCF-style: chr22-41525954-A-G.
Other names: c.1229A>G, p.Asp410Gly (NM_001362843.2); short protein forms D410G.
Identifiers: ClinVar variation 4993995 (VCV004993995.1).

ClinVar aggregate classification (germline): Uncertain significance (1 of 4 stars; one submission).

Conditions:
EP300-related disorder. Also called: EP300-related condition; EP300-related disorders.

Submission:

PreventionGenetics, part of Exact Sciences
Classification: Uncertain significance for EP300-related condition. Last evaluated: 2026-01-13. Review status: criteria provided, single submitter. Criteria: ACMG Guidelines, 2015. Collection method: clinical testing. Allele origin: germline.
Comment: The EP300 c.1229A>G variant is predicted to result in the amino acid substitution p.Asp410Gly. To our knowledge, this variant has not been reported in the literature or in a large population database (gnomAD), indicating this variant is rare. At this time, the clinical significance of this variant is uncertain due to the absence of conclusive functional and genetic evidence.